The following is an entry in ClinVar:

ClinVar aggregate classification (germline): Conflicting classifications of pathogenicity. Review status: criteria provided, conflicting classifications (1 of 4 stars). 6 submissions from 6 submitters: Uncertain significance (5); Likely benign (1). Last evaluated 2025-11-09.

Conditions:
Cardiovascular phenotype. Identifiers: MedGen CN230736.
Dilated cardiomyopathy 1W (CMD1W). Identifiers: Orphanet 154, MedGen C1969639, MONDO:0012667, OMIM 611407.
Hypertrophic cardiomyopathy 15. Identifiers: MedGen C2750459, MONDO:0013200, OMIM 613255.

Allele frequency attached by ClinVar (database versions not stated): gnomAD exomes 0.00001 and 0.00006; gnomAD 0.00004 and 0.00005; TOPMed 0.00005; ExAC 0.00007; 1000 Genomes Project 30x 0.00016; 1000 Genomes Project 0.00020.
gnomAD v4.1: 37 of 1,613,990 alleles (0.0023%); highest among the groups gnomAD compares: East Asian, 0.062%; no homozygotes.

Submissions (6):

Labcorp Genetics (formerly Invitae), Labcorp
Classification: Likely benign for Dilated cardiomyopathy 1W. Last evaluated: 2025-11-09. Review status: criteria provided, single submitter. Criteria: Invitae Variant Classification Sherloc (09022015). Collection method: clinical testing. Allele origin: germline.

Ambry Genetics
Classification: Uncertain significance for Cardiovascular phenotype. Last evaluated: 2025-11-06. Review status: criteria provided, single submitter. Criteria: Ambry Variant Classification Scheme 2023. Collection method: clinical testing. Allele origin: germline.
Comment: The p.P398S variant (also known as c.1192C>T), located in coding exon 10 of the VCL gene, results from a C to T substitution at nucleotide position 1192. The proline at codon 398 is replaced by serine, an amino acid with similar properties. This variant was reported in individual(s) with features consistent with dilated cardiomyopathy (Shen C et al. Dis Markers. 2013 Oct;35(5):531-5). This amino acid position is highly conserved in available vertebrate species. In addition, this alteration is predicted to be deleterious by in silico analysis. Based on the available evidence, the clinical significance of this variant remains unclear.

GeneDx
Classification: Uncertain significance. Last evaluated: 2024-03-29. Review status: criteria provided, single submitter. Criteria: GeneDx Variant Classification Process June 2021. Collection method: clinical testing. Allele origin: germline.
Comment: Observed in at least one individual with dilated cardiomyopathy (DCM) (PMID: 24227891); In silico analysis supports that this missense variant has a deleterious effect on protein structure/function; This variant is associated with the following publications: (PMID: 35284542, 24227891)

Fulgent Genetics
Classification: Uncertain significance for Dilated cardiomyopathy 1W; Hypertrophic cardiomyopathy 15. Last evaluated: 2018-10-31. Review status: criteria provided, single submitter. Criteria: ACMG Guidelines, 2015. Collection method: clinical testing. Allele origin: unknown.

Biesecker Lab/Clinical Genomics Section, National Institutes of Health
Classification: Uncertain significance. Last evaluated: 2013-06-24. Review status: criteria provided, single submitter. Criteria: Ng et al. (Circ Cardiovasc Genet. 2013). Collection method: research. Allele origin: unknown. Observed: 1 variant allele. Study: ClinSeq.
Comment: The study set was not selected for affection status in relation to any cancer. Pathogenicity categories were based on literature curation. See Pubmed ID:23861362 for details.

Medical sequencing

Juno Genomics, Hangzhou Juno Genomics, Inc
Classification: Uncertain significance for Dilated cardiomyopathy 1W; Hypertrophic cardiomyopathy 15. Review status: criteria provided, single submitter. Criteria: ACMG Guidelines, 2015. Collection method: clinical testing. Allele origin: germline.
Comment: Absent from controls (or at extremely low frequency if recessive) in Genome Aggregation Database.

Literature cited by the submitters: PubMed 24227891 (cited by Ambry Genetics).

NM_014000.3(VCL):c.1192C>T (p.Pro398Ser)

Gene: VCL (vinculin; plus strand). Cytogenetic location: 10q22.2.
Variant type: single nucleotide variant.
Coding change: c.1192C>T on transcript NM_014000.3 (MANE Select); coding-DNA position 1192, C replaced by T.
Protein change: p.Pro398Ser; replaces proline 398 with serine.
Molecular consequence: missense variant.
Genome position (GRCh38, 1-based): chr10:74,090,038, C>T. VCF-style: chr10-74090038-C-T. GRCh37 (hg19) VCF-style: chr10-75849796-C-T.
Other names: c.1192C>T, p.Pro398Ser (NM_003373.4); short protein forms P398S.
Identifiers: ClinVar variation 192103 (VCV000192103.20), dbSNP rs201528612, ClinGen allele CA238358.